The following is an entry in ClinVar:

NM_000552.5(VWF):c.3161C>T (p.Thr1054Met)

Gene: VWF (von Willebrand factor; minus strand). Cytogenetic location: 12p13.31.
Variant type: single nucleotide variant.
Coding change: c.3161C>T on transcript NM_000552.5 (MANE Select); coding-DNA position 3161, C replaced by T.
Protein change: p.Thr1054Met; replaces threonine 1054 with methionine.
Molecular consequence: missense variant.
Genome position (GRCh38, 1-based): chr12:6,025,641, G>A on the plus strand (C>T on the coding strand, the complement: VWF is on the minus strand). VCF-style: chr12-6025641-G-A. GRCh37 (hg19) VCF-style: chr12-6134807-G-A.
Other names: p.Thr1054Met; short protein forms T1054M.
Identifiers: ClinVar variation 4541684 (VCV004541684.2).

ClinVar aggregate classification (germline): Uncertain significance. Review status: criteria provided, multiple submitters, no conflicts (2 of 4 stars). 2 submissions from 2 submitters: Uncertain significance (2). Last evaluated 2025-06-12.

gnomAD v4.1: 90 of 1,578,766 alleles (0.0057%); highest among the groups gnomAD compares: South Asian, 0.01%; no homozygotes.

Submissions (2):

Mayo Clinic Laboratories, Mayo Clinic
Classification: Uncertain significance. Last evaluated: 2025-06-12. Review status: criteria provided, single submitter. Criteria: ACMG Guidelines, 2015. Collection method: clinical testing. Allele origin: germline. Observed: 1 variant allele.
Comment: BP4_moderate

Blueprint Genetics
Classification: Uncertain significance. Last evaluated: 2024-03-18. Review status: criteria provided, single submitter. Criteria: ACMG Guidelines, 2015. Collection method: clinical testing. Allele origin: germline.

Literature cited by the submitters: PubMed 17596142 (cited by Mayo Clinic Laboratories, Mayo Clinic).